The following is an entry in ClinVar:

ClinVar aggregate classification (germline): Uncertain significance (1 of 4 stars; one submission).

Conditions:
Leber congenital amaurosis 3 (LCA3). Also called: SPATA7-Related Retinitis Pigmentosa. Identifiers: MedGen C1858677, MONDO:0011415, OMIM 604232.

Submission:

Labcorp Genetics (formerly Invitae), Labcorp
Classification: Uncertain significance for Leber congenital amaurosis 3. Last evaluated: 2022-07-29. Review status: criteria provided, single submitter. Criteria: Invitae Variant Classification Sherloc (09022015). Collection method: clinical testing. Allele origin: germline.
Comment: In summary, the available evidence is currently insufficient to determine the role of this variant in disease. Therefore, it has been classified as a Variant of Uncertain Significance. Algorithms developed to predict the effect of missense changes on protein structure and function are either unavailable or do not agree on the potential impact of this missense change (SIFT: "Deleterious"; PolyPhen-2: "Probably Damaging"; Align-GVGD: "Class C0"). This variant has not been reported in the literature in individuals affected with SPATA7-related conditions. This variant is not present in population databases (gnomAD no frequency). This sequence change replaces threonine, which is neutral and polar, with isoleucine, which is neutral and non-polar, at codon 279 of the SPATA7 protein (p.Thr279Ile).

NM_018418.5(SPATA7):c.836C>T (p.Thr279Ile)

Gene: SPATA7 (spermatogenesis associated 7; plus strand). Cytogenetic location: 14q31.3.
Variant type: single nucleotide variant.
Coding change: c.836C>T on transcript NM_018418.5 (MANE Select); coding-DNA position 836, C replaced by T.
Protein change: p.Thr279Ile; replaces threonine 279 with isoleucine.
Molecular consequence: missense variant.
Genome position (GRCh38, 1-based): chr14:88,426,695, C>T. VCF-style: chr14-88426695-C-T. GRCh37 (hg19) VCF-style: chr14-88893039-C-T.
Other names: c.740C>T, p.Thr247Ile (NM_001040428.4); short protein forms T247I, T279I.
Identifiers: ClinVar variation 2179207 (VCV002179207.4), dbSNP rs2504240652, ClinGen allele CA390565209.
Genomic context (GRCh38, chr14:88,426,695, plus strand): 5'-ATACACCTGCCAAAAGAAAAAAGGATTTTACAGATCAACGGATAGAAGCTGAAACCCAGA[C>T]TGAATTAAGGTATGACACATCAGCAACCAACAGTAAATCCTTCAGGAAATTAAATGAAAA-3'
Protein context (NP_060888.2, residues 269-289): TDQRIEAETQ[Thr279Ile]ELSFKSELGT